The following is an entry in ClinVar:

NM_017838.4(NHP2):c.355G>C (p.Gly119Arg)

Genes: RMND5B (required for meiotic nuclear division 5 homolog B; plus strand), NHP2 (NHP2 ribonucleoprotein; minus strand). Cytogenetic location: 5q35.3.
Variant type: single nucleotide variant.
Coding change: c.355G>C on transcript NM_017838.4 (MANE Select); coding-DNA position 355, G replaced by C.
Protein change: p.Gly119Arg; replaces glycine 119 with arginine.
Molecular consequence: missense variant. On other transcripts: 3 prime UTR variant (3).
Genome position (GRCh38, 1-based): chr5:178,149,820, C>G on the plus strand (G>C on the coding strand, the complement: NHP2 is on the minus strand). VCF-style: chr5-178149820-C-G. GRCh37 (hg19) VCF-style: chr5-177576821-C-G.
Other names: c.249G>C, p.Gln83His (NM_001034833.2); c.483G>C, p.Gln161His (NM_001396110.1); c.*1788C>G (NM_001288794.2, NM_001288795.2, NM_022762.5); short protein forms Q83H, G119R, Q161H.
Identifiers: ClinVar variation 1480987 (VCV001480987.4), dbSNP rs750874926, ClinGen allele CA362391195.

ClinVar aggregate classification (germline): Uncertain significance (1 of 4 stars; one submission).

Conditions:
Dyskeratosis congenita. Identifiers: Orphanet 1775, MedGen C0265965, MONDO:0015780.

gnomAD v4.1: 1 of 1,613,774 alleles (0.000062%); no homozygotes.

Submission:

Labcorp Genetics (formerly Invitae), Labcorp
Classification: Uncertain significance for Dyskeratosis congenita. Last evaluated: 2021-10-12. Review status: criteria provided, single submitter. Criteria: Invitae Variant Classification Sherloc (09022015). Collection method: clinical testing. Allele origin: germline.
Comment: In summary, the available evidence is currently insufficient to determine the role of this variant in disease. Therefore, it has been classified as a Variant of Uncertain Significance. Algorithms developed to predict the effect of missense changes on protein structure and function (SIFT, PolyPhen-2, Align-GVGD) all suggest that this variant is likely to be disruptive. This variant has not been reported in the literature in individuals affected with NHP2-related conditions. This variant is not present in population databases (ExAC no frequency). This sequence change replaces glycine with arginine at codon 119 of the NHP2 protein (p.Gly119Arg). The glycine residue is highly conserved and there is a moderate physicochemical difference between glycine and arginine.